The following is an entry in ClinVar:

ClinVar aggregate classification (germline): Pathogenic. Review status: criteria provided, multiple submitters, no conflicts (2 of 4 stars). 2 submissions from 2 submitters: Pathogenic (2). Last evaluated 2021-08-10.

Conditions:
Severe combined immunodeficiency, autosomal recessive, T cell-negative, B cell-negative, NK cell-negative, due to adenosine deaminase deficiency. Also called: Adenosine deaminase deficient severe combined immunodeficiency; Severe combined immunodeficiency due to ADA deficiency; Adenosine Deaminase Deficiency; SCID DUE TO ADA DEFICIENCY; SCID DUE TO ADA DEFICIENCY, EARLY-ONSET; ADA-SCID. Identifiers: Orphanet 277, MedGen C0392607, MONDO:0007064, OMIM 102700.

Submissions (2):

Genome-Nilou Lab
Classification: Pathogenic for Severe combined immunodeficiency, autosomal recessive, T cell-negative, B cell-negative, NK cell-negative, due to adenosine deaminase deficiency. Last evaluated: 2021-08-10. Review status: criteria provided, single submitter. Criteria: ACMG Guidelines, 2015. Collection method: clinical testing. Allele origin: germline. Affected: no.

Labcorp Genetics (formerly Invitae), Labcorp
Classification: Pathogenic for Severe combined immunodeficiency, autosomal recessive, T cell-negative, B cell-negative, NK cell-negative, due to adenosine deaminase deficiency. Last evaluated: 2019-11-22. Review status: criteria provided, single submitter. Criteria: Invitae Variant Classification Sherloc (09022015). Collection method: clinical testing. Allele origin: germline.
Comment: For these reasons, this variant has been classified as Pathogenic. Loss-of-function variants in ADA are known to be pathogenic (PMID: 26255240, 26376800). This variant has been observed in individual(s) with clinical features of adenosine deaminase deficiency (PMID: 26376800). This variant is not present in population databases (ExAC no frequency). This sequence change creates a premature translational stop signal (p.Arg324Glyfs*2) in the ADA gene. It is expected to result in an absent or disrupted protein product.

Literature cited by the submitters: PubMed 26255240 (cited by Labcorp Genetics (formerly Invitae), Labcorp); PubMed 26376800 (cited by Labcorp Genetics (formerly Invitae), Labcorp).

NM_000022.4(ADA):c.970del (p.Arg324fs)

Gene: ADA (adenosine deaminase; minus strand). Cytogenetic location: 20q13.12.
Variant type: Deletion.
Coding change: c.970del on transcript NM_000022.4 (MANE Select); coding-DNA position 970, one base deleted (A; older notation c.970delA).
Protein change: p.Arg324fs; shifts the reading frame from arginine 324.
Molecular consequence: frameshift variant. On other transcripts: non-coding transcript variant (1).
Genome position (GRCh38, 1-based): chr20:44,621,023, T deleted on the plus strand (A on the coding strand, the reverse complement: ADA is on the minus strand); the first of 4 consecutive T bases (chr20:44,621,023-44,621,026); deleting any one gives the same sequence. VCF-style (leftmost placement, unchanged base first): chr20-44621022-CT-C. GRCh37 (hg19) VCF-style: chr20-43249663-CT-C.
Other names: c.565del, p.Arg189fs (NM_001322050.2); c.898del, p.Arg300fs (NM_001322051.2); short protein forms R189fs, R300fs, R324fs.
Identifiers: ClinVar variation 860314 (VCV000860314.11), dbSNP rs2065325961, ClinGen allele CA916081235.